The following is an entry in ClinVar:

NM_000081.4(LYST):c.5375A>T (p.Asn1792Ile)

Gene: LYST (lysosomal trafficking regulator; minus strand). Cytogenetic location: 1q42.3.
Variant type: single nucleotide variant.
Coding change: c.5375A>T on transcript NM_000081.4 (MANE Select); coding-DNA position 5375, A replaced by T.
Protein change: p.Asn1792Ile; replaces asparagine 1792 with isoleucine.
Molecular consequence: missense variant.
Genome position (GRCh38, 1-based): chr1:235,777,148, T>A on the plus strand (A>T on the coding strand, the complement: LYST is on the minus strand). VCF-style: chr1-235777148-T-A. GRCh37 (hg19) VCF-style: chr1-235940448-T-A.
Other names: c.5375A>T, p.Asn1792Ile (NM_001301365.1); short protein forms N1792I.
Identifiers: ClinVar variation 1467796 (VCV001467796.6), dbSNP rs1207829782, ClinGen allele CA344953004.
Genomic context (GRCh38, chr1:235,777,148, plus strand): 5'-CCAGTTCCACCAATTTCGTGCAGAATGCCTTGAATAGTTTTATATTCAGTAGGTTGGAGA[T>A]TCTTTAGATGATGAGGTTCTAATAAGATGCTCTGAACTTCTTTTGAGCTGAAGGGTCTTT-3'
Protein context (NP_000072.2, residues 1782-1802): SILLEPHHLK[Asn1792Ile]LQPTEYKTIQ

ClinVar aggregate classification (germline): Uncertain significance (1 of 4 stars; one submission).

Conditions:
Chédiak-Higashi syndrome (CHS). Also called: Chediak-Higashi Syndrome. Identifiers: Orphanet 167, MedGen C0007965, MONDO:0008963, OMIM 214500.

Allele frequency attached by ClinVar (database versions not stated): gnomAD 0.00001.
gnomAD v4.1: 6 of 1,613,330 alleles (0.00037%); highest among the groups gnomAD compares: Non-Finnish European, 0.00051%; no homozygotes.

Submission:

Labcorp Genetics (formerly Invitae), Labcorp
Classification: Uncertain significance for Chédiak-Higashi syndrome. Last evaluated: 2022-10-05. Review status: criteria provided, single submitter. Criteria: Invitae Variant Classification Sherloc (09022015). Collection method: clinical testing. Allele origin: germline.
Comment: This sequence change replaces asparagine, which is neutral and polar, with isoleucine, which is neutral and non-polar, at codon 1792 of the LYST protein (p.Asn1792Ile). This variant is present in population databases (no rsID available, gnomAD 0.002%). This variant has not been reported in the literature in individuals affected with LYST-related conditions. ClinVar contains an entry for this variant (Variation ID: 1467796). Advanced modeling of protein sequence and biophysical properties (such as structural, functional, and spatial information, amino acid conservation, physicochemical variation, residue mobility, and thermodynamic stability) performed at Invitae indicates that this missense variant is not expected to disrupt LYST protein function. In summary, the available evidence is currently insufficient to determine the role of this variant in disease. Therefore, it has been classified as a Variant of Uncertain Significance.